The following is an entry in ClinVar:

NM_020812.4(DOCK6):c.5031C>A (p.His1677Gln)

Genes: DOCK6 (dedicator of cytokinesis 6; minus strand), DOCK6-AS1 (DOCK6 antisense RNA 1; plus strand). Cytogenetic location: 19p13.2.
Variant type: single nucleotide variant.
Coding change: c.5031C>A on transcript NM_020812.4 (MANE Select); coding-DNA position 5031, C replaced by A.
Protein change: p.His1677Gln; replaces histidine 1677 with glutamine.
Molecular consequence: missense variant.
Genome position (GRCh38, 1-based): chr19:11,208,743, G>T on the plus strand (C>A on the coding strand, the complement: DOCK6 is on the minus strand). VCF-style: chr19-11208743-G-T. GRCh37 (hg19) VCF-style: chr19-11319419-G-T.
Other names: c.5136C>A, p.His1712Gln (NM_001367830.1); short protein forms H1712Q, H1677Q.
Identifiers: ClinVar variation 1954771 (VCV001954771.5), dbSNP rs2512957826, ClinGen allele CA404076677.
Genomic context (GRCh38, chr19:11,208,743, plus strand): 5'-CACCATGGTGAAGTAGCCGGCTGCCTGTTCCAGCAACCCTACCAGCCCCAGCTCAGTGAA[G>T]TGCTTCCCGGAGCAGAAGCCCTCCTCGTCGGGCGACAGGATGTCGTCGGAGATGGCGGAC-3'
Protein context (NP_065863.2, residues 1667-1687): PDEEGFCSGK[His1677Gln]FTELGLVGLL

ClinVar aggregate classification (germline): Uncertain significance (1 of 4 stars; one submission).

Submission:

Labcorp Genetics (formerly Invitae), Labcorp
Classification: Uncertain significance. Last evaluated: 2021-12-16. Review status: criteria provided, single submitter. Criteria: Invitae Variant Classification Sherloc (09022015). Collection method: clinical testing. Allele origin: germline.
Comment: This sequence change replaces histidine, which is basic and polar, with glutamine, which is neutral and polar, at codon 1677 of the DOCK6 protein (p.His1677Gln). This variant is not present in population databases (gnomAD no frequency). This variant has not been reported in the literature in individuals affected with DOCK6-related conditions. Algorithms developed to predict the effect of missense changes on protein structure and function are either unavailable or do not agree on the potential impact of this missense change (SIFT: "Deleterious"; PolyPhen-2: "Benign"; Align-GVGD: "Class C0"). In summary, the available evidence is currently insufficient to determine the role of this variant in disease. Therefore, it has been classified as a Variant of Uncertain Significance.